The following is an entry in ClinVar:

NM_003359.4(UGDH):c.1292A>G (p.Lys431Arg)

Gene: UGDH (UDP-glucose 6-dehydrogenase; minus strand). Cytogenetic location: 4p14.
Variant type: single nucleotide variant.
Coding change: c.1292A>G on transcript NM_003359.4 (MANE Select); coding-DNA position 1292, A replaced by G.
Protein change: p.Lys431Arg; replaces lysine 431 with arginine.
Molecular consequence: missense variant.
Genome position (GRCh38, 1-based): chr4:39,503,957, T>C on the plus strand (A>G on the coding strand, the complement: UGDH is on the minus strand). VCF-style: chr4-39503957-T-C. GRCh37 (hg19) VCF-style: chr4-39505577-T-C.
Other names: c.1091A>G, p.Lys364Arg (NM_001184700.2); c.1001A>G, p.Lys334Arg (NM_001184701.2); short protein forms K334R, K364R, K431R.
Identifiers: ClinVar variation 2265840 (VCV002265840.4), dbSNP rs147122976, ClinGen allele CA2894947.

ClinVar aggregate classification (germline): Uncertain significance. Review status: criteria provided, multiple submitters, no conflicts (2 of 4 stars). 2 submissions from 2 submitters: Uncertain significance (2). Last evaluated 2025-12-09.

Conditions:
Inborn genetic diseases. Identifiers: MedGen C0950123, MeSH D030342.

Allele frequency attached by ClinVar (database versions not stated): gnomAD exomes 0.00001; gnomAD 0.00003; ESP Exome Variant Server 0.00008; ExAC 0.00001; TOPMed 0.00007.
gnomAD v4.1: 15 of 1,614,052 alleles (0.00093%); highest among the groups gnomAD compares: African/African-American, 0.019%; no homozygotes.

Submissions (2):

Ambry Genetics
Classification: Uncertain significance for Inborn genetic diseases. Last evaluated: 2025-12-09. Review status: criteria provided, single submitter. Criteria: Ambry Variant Classification Scheme 2023. Collection method: clinical testing. Allele origin: germline.

Greenwood Genetic Center Diagnostic Laboratories, Greenwood Genetic Center
Classification: Uncertain significance. Last evaluated: 2025-06-25. Review status: criteria provided, single submitter. Criteria: ACMG Guidelines, 2015. Collection method: clinical testing. Allele origin: germline. Affected: yes.
Comment: PM2, PM3_Supporting, BP4